The following is an entry in ClinVar:

NM_001361.5(DHODH):c.355A>G (p.Ser119Gly)

Gene: DHODH (dihydroorotate dehydrogenase (quinone); plus strand). Cytogenetic location: 16q22.2.
Variant type: single nucleotide variant.
Coding change: c.355A>G on transcript NM_001361.5 (MANE Select); coding-DNA position 355, A replaced by G.
Protein change: p.Ser119Gly; replaces serine 119 with glycine.
Molecular consequence: missense variant.
Genome position (GRCh38, 1-based): chr16:72,014,593, A>G. VCF-style: chr16-72014593-A-G. GRCh37 (hg19) VCF-style: chr16-72048492-A-G.
Other names: short protein forms S119G.
Identifiers: ClinVar variation 2101562 (VCV002101562.4), dbSNP rs2506968368, ClinGen allele CA396680903.

ClinVar aggregate classification (germline): Uncertain significance (1 of 4 stars; one submission).

Submission:

Labcorp Genetics (formerly Invitae), Labcorp
Classification: Uncertain significance. Last evaluated: 2024-10-22. Review status: criteria provided, single submitter. Criteria: Invitae Variant Classification Sherloc (09022015). Collection method: clinical testing. Allele origin: germline.
Comment: This sequence change replaces serine, which is neutral and polar, with glycine, which is neutral and non-polar, at codon 119 of the DHODH protein (p.Ser119Gly). This variant is not present in population databases (gnomAD no frequency). This missense change has been observed in individual(s) with clinical features of DHODH-related conditions (internal data). ClinVar contains an entry for this variant (Variation ID: 2101562). Invitae Evidence Modeling of protein sequence and biophysical properties (such as structural, functional, and spatial information, amino acid conservation, physicochemical variation, residue mobility, and thermodynamic stability) indicates that this missense variant is not expected to disrupt DHODH protein function with a negative predictive value of 80%. In summary, the available evidence is currently insufficient to determine the role of this variant in disease. Therefore, it has been classified as a Variant of Uncertain Significance.